The following is an entry in ClinVar:

NM_018646.6(TRPV6):c.1512C>T (p.Asn504=)

Gene: TRPV6 (transient receptor potential cation channel subfamily V member 6; minus strand). Cytogenetic location: 7q34.
Variant type: single nucleotide variant.
Coding change: c.1512C>T on transcript NM_018646.6 (MANE Select); coding-DNA position 1512, C replaced by T.
Protein change: p.Asn504=; no amino-acid change (asparagine 504 retained).
Molecular consequence: synonymous variant.
Genome position (GRCh38, 1-based): chr7:142,874,551, G>A on the plus strand (C>T on the coding strand, the complement: TRPV6 is on the minus strand). VCF-style: chr7-142874551-G-A. GRCh37 (hg19) VCF-style: chr7-142572304-G-A.
Other names: p.Asn504=; c.1512C>T (NM_018646.5).
Identifiers: ClinVar variation 2799920 (VCV002799920.7), dbSNP rs4987704, ClinGen allele CA4532493.
Genomic context (GRCh38, chr7:142,874,551, plus strand): 5'-CTTCTGAATCATGATGGTGAAGGGGCCTAGCATCTGGAATCCTCGGGCGAAGTACATGAC[G>A]TTGCACCAGCCCAGCACGAGTGCAAAGGACATGGGTACCACCTCCCCGCTGGCACTGATG-3'
Protein context (NP_061116.5, residues 494-514): MSFALVLGWC[Asn504=]VMYFARGFQM

ClinVar aggregate classification (germline): Benign. Review status: criteria provided, multiple submitters, no conflicts (2 of 4 stars). 4 submissions from 4 submitters: Benign (3). 1 of the submissions does not count toward it. Last evaluated 2026-02-04.

Conditions:
TRPV6-related disorder. Also called: TRPV6-related condition.

Allele frequency attached by ClinVar (database versions not stated): 1000 Genomes Project 0.03514; 1000 Genomes Project 30x 0.03607; TOPMed 0.06350; gnomAD 0.06662; ESP Exome Variant Server 0.06781; ExAC 0.06945; gnomAD exomes 0.08513.
gnomAD v4.1: 133,834 of 1,613,908 alleles (8.3%); highest among the groups gnomAD compares: Non-Finnish European, 9.6%; 6,233 homozygotes.

Submissions (4):

Labcorp Genetics (formerly Invitae), Labcorp
Classification: Benign. Last evaluated: 2026-02-04. Review status: criteria provided, single submitter. Criteria: Invitae Variant Classification Sherloc (09022015). Collection method: clinical testing. Allele origin: germline.

Mayo Clinic Laboratories, Mayo Clinic
Classification: Benign. Last evaluated: 2025-07-24. Review status: criteria provided, single submitter. Criteria: ACMG Guidelines, 2015. Collection method: clinical testing. Allele origin: germline. Observed: 8 variant alleles.

Blueprint Genetics
Classification: Benign. Last evaluated: 2024-11-27. Review status: criteria provided, single submitter. Criteria: ACMG Guidelines, 2015. Collection method: clinical testing. Allele origin: germline.

PreventionGenetics, part of Exact Sciences
Classification: Benign for TRPV6-related condition. Last evaluated: 2019-05-15. Review status: no assertion criteria provided. Collection method: clinical testing. Allele origin: germline. Not counted in ClinVar's aggregate classification.
Comment: This variant is classified as benign based on ACMG/AMP sequence variant interpretation guidelines (Richards et al. 2015 PMID: 25741868, with internal and published modifications).